The following is an entry in ClinVar:

Single allele

Gene: SPAST (spastin; plus strand). Cytogenetic location: 2p22.3.
Variant type: Deletion.
Identifiers: ClinVar variation 1256421 (VCV001256421.1).

ClinVar aggregate classification (germline): Pathogenic (1 of 4 stars; one submission).

Submission:

Athena Diagnostics
Classification: Pathogenic. Last evaluated: 2021-01-12. Review status: criteria provided, single submitter. Criteria: Athena Diagnostics criteria. Collection method: clinical testing. Allele origin: unknown.
Comment: This deletion spans the entire coding sequence of the SPAST gene and is expected to result in the loss of a functional protein. Due to limitations of this analysis, the exact size of this deletion event is unknown. The frequency of this variant in the general population is consistent with pathogenicity. A similar variant has been identified in at least one individual with clinical features associated with this gene.

Literature cited by the submitters: PubMed 29980238; PubMed 28572275.